The following is an entry in ClinVar:

NM_001672.3(ASIP):c.187_197dup (p.Lys70fs)

Genes: AHCY (adenosylhomocysteinase; minus strand), ASIP (agouti signaling protein; plus strand). Cytogenetic location: 20q11.22.
Variant type: Duplication.
Coding change: c.187_197dup on transcript NM_001672.3 (MANE Select); coding-DNA positions 187 to 197, 11 bases duplicated (GGCAGAAAAGC).
Protein change: p.Lys70fs; shifts the reading frame from lysine 70.
Molecular consequence: frameshift variant.
Genome position (GRCh38, 1-based): chr20:34,262,858-34,262,868, GGCAGAAAAGC duplicated; duplicating any 11 consecutive bases within chr20:34,262,857-34,262,868 gives the same sequence; the c. name uses the placement nearest the transcript's 3' end. VCF-style (leftmost placement, unchanged base first): chr20-34262856-T-TCGGCAGAAAAG. GRCh37 (hg19) VCF-style: chr20-32850662-T-TCGGCAGAAAAG.
Other names: c.187_197dup, p.Lys70fs (NM_001385218.1); short protein forms K70fs.
Identifiers: ClinVar variation 4997736 (VCV004997736.1).

ClinVar aggregate classification (germline): Uncertain significance (1 of 4 stars; one submission).

Conditions:
ASIP-related condition.

Submission:

PreventionGenetics, part of Exact Sciences
Classification: Uncertain significance for ASIP-related condition. Last evaluated: 2025-01-04. Review status: criteria provided, single submitter. Criteria: ACMG Guidelines, 2015. Collection method: clinical testing. Allele origin: germline.
Comment: The ASIP c.187_197dup11 variant is predicted to result in a frameshift and premature protein termination (p.Lys70Glnfs*14). To our knowledge, this variant has not been reported in the literature or in a large population database (gnomAD), indicating this variant is rare. Loss-of-function is not established mechanism in ASIP-related disorders. At this time, the clinical significance of this variant is uncertain due to the absence of conclusive functional and genetic evidence.